The following is an entry in ClinVar:

ClinVar aggregate classification (germline): Uncertain significance (1 of 4 stars; one submission).

Conditions:
Hereditary cancer-predisposing syndrome. Also called: Tumor predisposition; Neoplastic Syndromes, Hereditary; Hereditary neoplastic syndrome; Hereditary Cancer Syndrome. Identifiers: Orphanet 140162, MedGen C0027672, MeSH D009386, MONDO:0015356.

Submission:

Ambry Genetics
Classification: Uncertain significance for Hereditary cancer-predisposing syndrome. Last evaluated: 2025-08-27. Review status: criteria provided, single submitter. Criteria: Ambry Variant Classification Scheme 2023. Collection method: clinical testing. Allele origin: germline.
Comment: The p.P471R variant (also known as c.1412C>G), located in coding exon 14 of the MUTYH gene, results from a C to G substitution at nucleotide position 1412. The proline at codon 471 is replaced by arginine, an amino acid with dissimilar properties. This amino acid position is conserved. In addition, the in silico prediction for this alteration is inconclusive. Based on the available evidence, the clinical significance of this variant remains unclear.

NM_001048174.2(MUTYH):c.1328C>G (p.Pro443Arg)

Gene: MUTYH (mutY DNA glycosylase; minus strand). Cytogenetic location: 1p34.1.
Variant type: single nucleotide variant.
Coding change: c.1328C>G on transcript NM_001048174.2 (MANE Select); coding-DNA position 1328, C replaced by G.
Protein change: p.Pro443Arg; replaces proline 443 with arginine.
Molecular consequence: missense variant. On other transcripts: non-coding transcript variant (7).
Genome position (GRCh38, 1-based): chr1:45,331,246, G>C on the plus strand (C>G on the coding strand, the complement: MUTYH is on the minus strand). VCF-style: chr1-45331246-G-C. GRCh37 (hg19) VCF-style: chr1-45796918-G-C.
Other names: c.1328C>G, p.Pro443Arg (NM_001048171.2, NM_001048173.2, NM_001293195.2 and 6 more transcripts); c.1331C>G, p.Pro444Arg (NM_001048172.2, NM_001407071.1, NM_001407086.1 and 1 more transcripts); c.1412C>G, p.Pro471Arg (NM_001128425.2); c.1373C>G, p.Pro458Arg (NM_001293190.2); c.1361C>G, p.Pro454Arg (NM_001293191.2, NM_001407069.1, NM_001407077.1); c.1052C>G, p.Pro351Arg (NM_001293192.2, NM_001293196.2, NM_001407091.1); c.983C>G, p.Pro328Arg (NM_001350650.2, NM_001350651.2, NM_001407082.1); c.1370C>G, p.Pro457Arg (NM_001407085.1, NM_001407083.1); and 5 more; short protein forms P471R, P328R, P430R, P454R, P457R, P458R, P351R, P443R.
Identifiers: ClinVar variation 4113231 (VCV004113231.1).